The following is an entry in ClinVar:

NM_052947.4(ALPK2):c.34C>A (p.Leu12Met)

Gene: ALPK2 (alpha kinase 2; minus strand). Cytogenetic location: 18q21.32.
Variant type: single nucleotide variant.
Coding change: c.34C>A on transcript NM_052947.4 (MANE Select); coding-DNA position 34, C replaced by A.
Protein change: p.Leu12Met; replaces leucine 12 with methionine.
Molecular consequence: missense variant.
Genome position (GRCh38, 1-based): chr18:58,611,764, G>T on the plus strand (C>A on the coding strand, the complement: ALPK2 is on the minus strand). VCF-style: chr18-58611764-G-T. GRCh37 (hg19) VCF-style: chr18-56278996-G-T.
Other names: short protein forms L12M.
Identifiers: ClinVar variation 3289223 (VCV003289223.1).
Genomic context (GRCh38, chr18:58,611,764, plus strand): 5'-GAAGCACAGCGTCTGACTTCTCAGGAACCTTCTGGGAAAGCAATGTAGATAAAAAACACA[G>T]CGGGGGCCTCTGGGGCCCTTCGGAGTCTTTCATCCTTTCATGCCGCACCAAATCTGAAAA-3'
Protein context (NP_443179.3, residues 2-22): KDSEGPQRPP[Leu12Met]CFLSTLLSQK

ClinVar aggregate classification (germline): Uncertain significance (1 of 4 stars; one submission).

gnomAD v4.1: 1 of 1,611,184 alleles (0.000062%); highest among the groups gnomAD compares: Non-Finnish European, 0.000085%; no homozygotes.

Submission:

Ambry Genetics
Classification: Uncertain significance. Last evaluated: 2024-06-07. Review status: criteria provided, single submitter. Criteria: Ambry Variant Classification Scheme 2023. Collection method: clinical testing. Allele origin: germline.
Comment: The p.L12M variant (also known as c.34C>A), located in coding exon 1 of the ALPK2 gene, results from a C to A substitution at nucleotide position 34. The leucine at codon 12 is replaced by methionine, an amino acid with highly similar properties. This amino acid position is conserved. In addition, this alteration is predicted to be tolerated by in silico analysis. Based on the available evidence, the clinical significance of this variant remains unclear.